The following is an entry in ClinVar:

ClinVar aggregate classification (germline): Benign/Likely benign. Review status: criteria provided, multiple submitters, no conflicts (2 of 4 stars). 3 submissions from 3 submitters: Benign (1); Likely benign (2). Last evaluated 2025-03-22.

Conditions:
Hereditary cancer-predisposing syndrome. Also called: Neoplastic Syndromes, Hereditary; Hereditary Cancer Syndrome; Tumor predisposition; Hereditary neoplastic syndrome. Identifiers: Orphanet 140162, MedGen C0027672, MeSH D009386, MONDO:0015356.
Prostate cancer, hereditary, 9 (HPC9). Identifiers: Orphanet 1331, MedGen C1970250, MONDO:0012597, OMIM 610997.

gnomAD v4.1: 7 of 1,613,786 alleles (0.00043%); highest among the groups gnomAD compares: Non-Finnish European, 0.00059%; no homozygotes.

Submissions (3):

Ambry Genetics
Classification: Likely benign for Hereditary cancer-predisposing syndrome. Last evaluated: 2025-03-22. Review status: criteria provided, single submitter. Criteria: Ambry Variant Classification Scheme 2023. Collection method: clinical testing. Allele origin: germline.

Myriad Genetics, Inc.
Classification: Benign for Prostate cancer, hereditary, 9. Last evaluated: 2024-10-29. Review status: criteria provided, single submitter. Criteria: Myriad Autosomal Dominant, Autosomal Recessive and X-Linked Classification Criteria (2023). Collection method: clinical testing. Allele origin: unknown.
Comment: This variant is considered benign. This variant is a silent/synonymous amino acid change and it is not expected to impact splicing.

Labcorp Genetics (formerly Invitae), Labcorp
Classification: Likely benign. Last evaluated: 2023-12-18. Review status: criteria provided, single submitter. Criteria: Invitae Variant Classification Sherloc (09022015). Collection method: clinical testing. Allele origin: germline.

NM_006361.6(HOXB13):c.204G>C (p.Gly68=)

Gene: HOXB13 (homeobox B13; minus strand). Cytogenetic location: 17q21.32.
Variant type: single nucleotide variant.
Coding change: c.204G>C on transcript NM_006361.6 (MANE Select); coding-DNA position 204, G replaced by C.
Protein change: p.Gly68=; no amino-acid change (glycine 68 retained).
Molecular consequence: synonymous variant.
Genome position (GRCh38, 1-based): chr17:48,728,390, C>G on the plus strand (G>C on the coding strand, the complement: HOXB13 is on the minus strand). VCF-style: chr17-48728390-C-G. GRCh37 (hg19) VCF-style: chr17-46805752-C-G.
Other names: c.204G>C (NM_006361.5).
Identifiers: ClinVar variation 1131948 (VCV001131948.11), dbSNP rs1460312327, ClinGen allele CA500662025.